The following is an entry in ClinVar:

ClinVar aggregate classification (germline): Benign (0 of 4 stars; one submission).

Conditions:
GGNBP2-related disorder. Also called: GGNBP2-related condition.

Allele frequency attached by ClinVar (database versions not stated): ExAC 0.02966; 1000 Genomes Project 0.03794; gnomAD 0.04082; 1000 Genomes Project 30x 0.04154; ESP Exome Variant Server 0.04352; TOPMed 0.04393.
gnomAD v4.1: 48,308 of 1,500,474 alleles (3.2%); highest among the groups gnomAD compares: African/African-American, 7.2%; 986 homozygotes.

Submission:

PreventionGenetics, part of Exact Sciences
Classification: Benign for GGNBP2-related condition. Last evaluated: 2019-11-12. Review status: no assertion criteria provided. Collection method: clinical testing. Allele origin: germline.
Comment: This variant is classified as benign based on ACMG/AMP sequence variant interpretation guidelines (Richards et al. 2015 PMID: 25741868, with internal and published modifications).

NM_024835.5(GGNBP2):c.528-4A>G

Gene: GGNBP2 (gametogenetin binding protein 2; plus strand). Cytogenetic location: 17q12.
Variant type: single nucleotide variant.
Coding change: c.528-4A>G on transcript NM_024835.5 (MANE Select); 4 bases into the intron before coding-DNA position 528, A replaced by G.
Molecular consequence: intron variant.
Genome position (GRCh38, 1-based): chr17:36,567,659, A>G. VCF-style: chr17-36567659-A-G. GRCh37 (hg19) VCF-style: chr17-34923498-A-G.
Identifiers: ClinVar variation 3055826 (VCV003055826.2), dbSNP rs17138347, ClinGen allele CA8512616.